The following is an entry in ClinVar:

ClinVar aggregate classification (germline): Uncertain significance (1 of 4 stars; one submission).

gnomAD v4.1: 1 of 1,206,246 alleles (0.000083%); highest among the groups gnomAD compares: Middle Eastern, 0.023%; no homozygotes.

Submission:

GeneDx
Classification: Uncertain significance. Last evaluated: 2026-10-07. Review status: criteria provided, single submitter. Criteria: GeneDx Variant Classification Process June 2021. Collection method: clinical testing. Allele origin: germline.
Comment: Has not been previously published as pathogenic or benign to our knowledge; Not observed at significant frequency in large population cohorts (gnomAD); In silico analysis suggests that this missense variant does not alter protein structure/function

NM_139058.3(ARX):c.52A>G (p.Ser18Gly)

Gene: ARX (aristaless related homeobox; minus strand). Cytogenetic location: Xp21.3.
Variant type: single nucleotide variant.
Coding change: c.52A>G on transcript NM_139058.3 (MANE Select); coding-DNA position 52, A replaced by G.
Protein change: p.Ser18Gly; replaces serine 18 with glycine.
Molecular consequence: missense variant.
Genome position (GRCh38, 1-based): chrX:25,015,686, T>C on the plus strand (A>G on the coding strand, the complement: ARX is on the minus strand). VCF-style: chrX-25015686-T-C. GRCh37 (hg19) VCF-style: chrX-25033803-T-C.
Other names: short protein forms S18G.
Identifiers: ClinVar variation 3362041 (VCV003362041.2).